The following is an entry in ClinVar:

NM_001367916.1(MAGT1):c.605T>C (p.Leu202Pro)

Gene: MAGT1 (magnesium transporter 1; minus strand). Cytogenetic location: Xq21.1.
Variant type: single nucleotide variant.
Coding change: c.605T>C on transcript NM_001367916.1 (MANE Select); coding-DNA position 605, T replaced by C.
Protein change: p.Leu202Pro; replaces leucine 202 with proline.
Molecular consequence: missense variant.
Genome position (GRCh38, 1-based): chrX:77,856,800, A>G on the plus strand (T>C on the coding strand, the complement: MAGT1 is on the minus strand). VCF-style: chrX-77856800-A-G. GRCh37 (hg19) VCF-style: chrX-77112297-A-G.
Other names: c.701T>C, p.Leu234Pro (NM_032121.5); short protein forms L202P, L234P.
Identifiers: ClinVar variation 3660605 (VCV003660605.2).

ClinVar aggregate classification (germline): Uncertain significance (1 of 4 stars; one submission).

Conditions:
X-linked immunodeficiency with magnesium defect, Epstein-Barr virus infection and neoplasia. Identifiers: Orphanet 317476, MedGen C3275445, MONDO:0010455, OMIM 300853.

Submission:

Labcorp Genetics (formerly Invitae), Labcorp
Classification: Uncertain significance for X-linked immunodeficiency with magnesium defect, Epstein-Barr virus infection and neoplasia. Last evaluated: 2024-07-25. Review status: criteria provided, single submitter. Criteria: Invitae Variant Classification Sherloc (09022015). Collection method: clinical testing. Allele origin: germline.
Comment: This sequence change replaces leucine, which is neutral and non-polar, with proline, which is neutral and non-polar, at codon 234 of the MAGT1 protein (p.Leu234Pro). This variant is not present in population databases (gnomAD no frequency). This variant has not been reported in the literature in individuals affected with MAGT1-related conditions. Advanced modeling of protein sequence and biophysical properties (such as structural, functional, and spatial information, amino acid conservation, physicochemical variation, residue mobility, and thermodynamic stability) performed at Invitae indicates that this missense variant is expected to disrupt MAGT1 protein function with a positive predictive value of 80%. In summary, the available evidence is currently insufficient to determine the role of this variant in disease. Therefore, it has been classified as a Variant of Uncertain Significance.